The following is an entry in ClinVar:

ClinVar aggregate classification (germline): Uncertain significance (1 of 4 stars; one submission).

Conditions:
Dyskeratosis congenita. Identifiers: Orphanet 1775, MedGen C0265965, MONDO:0015780.

Allele frequency attached by ClinVar (database versions not stated): gnomAD 0.00001.
gnomAD v4.1: 1 of 1,589,222 alleles (0.000063%); highest among the groups gnomAD compares: African/African-American, 0.0013%; no homozygotes.

Submission:

Ambry Genetics
Classification: Uncertain significance for Dyskeratosis congenita. Last evaluated: 2022-03-14. Review status: criteria provided, single submitter. Criteria: Ambry Variant Classification Scheme 2023. Collection method: clinical testing. Allele origin: germline.
Comment: The p.G264A variant (also known as c.791G>C), located in coding exon 2 of the TERT gene, results from a G to C substitution at nucleotide position 791. The glycine at codon 264 is replaced by alanine, an amino acid with similar properties. This amino acid position is conserved. In addition, this alteration is predicted to be tolerated by in silico analysis. Since supporting evidence is limited at this time, the clinical significance of this alteration remains unclear.

NM_198253.3(TERT):c.791G>C (p.Gly264Ala)

Gene: TERT (telomerase reverse transcriptase; minus strand). Cytogenetic location: 5p15.33.
Variant type: single nucleotide variant.
Coding change: c.791G>C on transcript NM_198253.3 (MANE Select); coding-DNA position 791, G replaced by C.
Protein change: p.Gly264Ala; replaces glycine 264 with alanine.
Molecular consequence: missense variant. On other transcripts: non-coding transcript variant (2).
Genome position (GRCh38, 1-based): chr5:1,294,095, C>G on the plus strand (G>C on the coding strand, the complement: TERT is on the minus strand). VCF-style: chr5-1294095-C-G. GRCh37 (hg19) VCF-style: chr5-1294210-C-G.
Other names: c.791G>C, p.Gly264Ala (NM_001193376.3, NM_003219.1); short protein forms G264A.
Identifiers: ClinVar variation 1761224 (VCV001761224.2), dbSNP rs1751203524, ClinGen allele CA359056790.
Genomic context (GRCh38, chr5:1,294,095, plus strand): 5'-GAGGTGGCTTCTTCGGCGGGTCTGGCAGGTGACACCACACAGAAACCACGGTCACTCGGT[C>G]CACGCGTCCTGCCCGGGTGGGCCCAGGACCCCTGCCCAACGGGCGTCCGCTCCGGCTCAG-3'
Protein context (NP_937983.2, residues 254-274): GSWAHPGRTR[Gly264Ala]PSDRGFCVVS